The following is an entry in ClinVar:

NM_002852.4(PTX3):c.414G>T (p.Glu138Asp)

Genes: PTX3 (pentraxin 3; plus strand), VEPH1 (ventricular zone expressed PH domain containing 1; minus strand). Cytogenetic location: 3q25.32.
Variant type: single nucleotide variant.
Coding change: c.414G>T on transcript NM_002852.4 (MANE Select); coding-DNA position 414, G replaced by T.
Protein change: p.Glu138Asp; replaces glutamic acid 138 with aspartic acid.
Molecular consequence: missense variant. On other transcripts: intron variant (3).
Genome position (GRCh38, 1-based): chr3:157,437,796, G>T. VCF-style: chr3-157437796-G-T. GRCh37 (hg19) VCF-style: chr3-157155585-G-T.
Other names: c.530-9308C>A (NM_001167911.2, NM_001167912.2, NM_024621.2); short protein forms E138D.
Identifiers: ClinVar variation 2632562 (VCV002632562.2), dbSNP rs1349378403, ClinGen allele CA355173032.
Genomic context (GRCh38, chr3:157,437,796, plus strand): 5'-CGAGCTGCTGCAGGCGACCCGCGACGCGGGCCGCAGGCTGGCGCGTATGGAGGGCGCGGA[G>T]GCGCAGCGCCCAGAGGAGGCGGGGCGCGCCCTGGCCGCGGTGCTAGAGGAGCTGCGGCAG-3'
Protein context (NP_002843.2, residues 128-148): GRRLARMEGA[Glu138Asp]AQRPEEAGRA

ClinVar aggregate classification (germline): Uncertain significance. Review status: criteria provided, multiple submitters, no conflicts (2 of 4 stars). 2 submissions from 2 submitters: Uncertain significance (2). Last evaluated 2025-03-19.

Conditions:
PTX3-related disorder. Also called: PTX3-related condition.

Allele frequency attached by ClinVar (database versions not stated): gnomAD exomes below 0.00001.
gnomAD v4.1: 4 of 1,462,866 alleles (0.00027%); highest among the groups gnomAD compares: Admixed American, 0.0055%; no homozygotes.

Submissions (2):

Ambry Genetics
Classification: Uncertain significance. Last evaluated: 2025-03-19. Review status: criteria provided, single submitter. Criteria: Ambry Variant Classification Scheme 2023. Collection method: clinical testing. Allele origin: germline.

PreventionGenetics, part of Exact Sciences
Classification: Uncertain significance for PTX3-related condition. Last evaluated: 2023-06-08. Review status: criteria provided, single submitter. Criteria: ACMG Guidelines, 2015. Collection method: clinical testing. Allele origin: germline.
Comment: The PTX3 c.414G>T variant is predicted to result in the amino acid substitution p.Glu138Asp. To our knowledge, this variant has not been reported in the literature. This variant is reported in 0.011% of alleles in individuals of Latino descent in gnomAD. At this time, the clinical significance of this variant is uncertain due to the absence of conclusive functional and genetic evidence.